The following is an entry in ClinVar:

NM_000666.3(ACY1):c.95-11T>G

Genes: ABHD14A-ACY1 (ABHD14A-ACY1 readthrough; plus strand), ACY1 (aminoacylase 1; plus strand). Cytogenetic location: 3p21.2.
Variant type: single nucleotide variant.
Coding change: c.95-11T>G on transcript NM_000666.3 (MANE Select); 11 bases into the intron before coding-DNA position 95, T replaced by G.
Molecular consequence: intron variant.
Genome position (GRCh38, 1-based): chr3:51,985,196, T>G. VCF-style: chr3-51985196-T-G. GRCh37 (hg19) VCF-style: chr3-52019212-T-G.
Other names: c.365-11T>G (NM_001316331.2); c.95-11T>G (NM_001198897.2, NM_001198896.2, NM_001198895.2); c.95-205T>G (NM_001198898.2).
Identifiers: ClinVar variation 1947781 (VCV001947781.5), dbSNP rs1559778946, ClinGen allele CA1047942045.
Genomic context (GRCh38, chr3:51,985,196, plus strand): 5'-CTCCGGGCTGCCTGGGCTGGTGGGAAGCTGTGGGTAGGCAGAAGCAGCCCCAAGACACTC[T>G]GTGCCTCCAGGAGCTGCTGTGGCTTTCTTTGAGGAGACAGCCCGCCAGCTGGGCCTGGGC-3'

ClinVar aggregate classification (germline): Uncertain significance (1 of 4 stars; one submission).

Allele frequency attached by ClinVar (database versions not stated): TOPMed 0.00001; gnomAD 0.00001.
gnomAD v4.1: 2 of 1,600,288 alleles (0.00012%); highest among the groups gnomAD compares: Non-Finnish European, 0.00017%; no homozygotes.

Submission:

Labcorp Genetics (formerly Invitae), Labcorp
Classification: Uncertain significance. Last evaluated: 2025-08-04. Review status: criteria provided, single submitter. Criteria: Invitae Variant Classification Sherloc (09022015). Collection method: clinical testing. Allele origin: germline.
Comment: This sequence change falls in intron 2 of the ACY1 gene. It does not directly change the encoded amino acid sequence of the ACY1 protein. This variant is not present in population databases (gnomAD no frequency). This variant has not been reported in the literature in individuals affected with ACY1-related conditions. ClinVar contains an entry for this variant (Variation ID: 1947781). Algorithms developed to predict the effect of sequence changes on RNA splicing suggest that this variant may disrupt the consensus splice site. In summary, the available evidence is currently insufficient to determine the role of this variant in disease. Therefore, it has been classified as a Variant of Uncertain Significance.